The following is an entry in ClinVar:

NM_001161352.2(KCNMA1):c.176C>A (p.Ser59Tyr)

Gene: KCNMA1 (potassium calcium-activated channel subfamily M alpha 1; minus strand). Cytogenetic location: 10q22.3.
Variant type: single nucleotide variant.
Coding change: c.176C>A on transcript NM_001161352.2 (MANE Select); coding-DNA position 176, C replaced by A.
Protein change: p.Ser59Tyr; replaces serine 59 with tyrosine.
Molecular consequence: missense variant.
Genome position (GRCh38, 1-based): chr10:77,637,467, G>T on the plus strand (C>A on the coding strand, the complement: KCNMA1 is on the minus strand). VCF-style: chr10-77637467-G-T. GRCh37 (hg19) VCF-style: chr10-79397225-G-T.
Other names: c.176C>A, p.Ser59Tyr (NM_001014797.3, NM_001161353.2, NM_001271518.2 and 13 more transcripts); short protein forms S59Y.
Identifiers: ClinVar variation 3573565 (VCV003573565.2).

ClinVar aggregate classification (germline): Uncertain significance (1 of 4 stars; one submission).

Submission:

GeneDx
Classification: Uncertain significance. Last evaluated: 2026-07-30. Review status: criteria provided, single submitter. Criteria: GeneDx Variant Classification Process June 2021. Collection method: clinical testing. Allele origin: germline.
Comment: Not observed at significant frequency in large population cohorts (gnomAD); In silico analysis suggests that this missense variant does not alter protein structure/function; Has not been previously published as pathogenic or benign to our knowledge